The following is an entry in ClinVar:

ClinVar aggregate classification (germline): Uncertain significance (1 of 4 stars; one submission).

Conditions:
Mucolipidosis type IV (ML4). Also called: ML IV. Identifiers: Orphanet 578, MedGen C0238286, MONDO:0009653, OMIM 252650.

gnomAD v4.1: 9 of 1,614,248 alleles (0.00056%); highest among the groups gnomAD compares: East Asian, 0.0022%; no homozygotes.

Submission:

Labcorp Genetics (formerly Invitae), Labcorp
Classification: Uncertain significance for Mucolipidosis type IV. Last evaluated: 2024-05-08. Review status: criteria provided, single submitter. Criteria: Invitae Variant Classification Sherloc (09022015). Collection method: clinical testing. Allele origin: germline.
Comment: This sequence change replaces arginine, which is basic and polar, with tryptophan, which is neutral and slightly polar, at codon 298 of the MCOLN1 protein (p.Arg298Trp). This variant is present in population databases (rs752008114, gnomAD 0.006%). This variant has not been reported in the literature in individuals affected with MCOLN1-related conditions. Advanced modeling of protein sequence and biophysical properties (such as structural, functional, and spatial information, amino acid conservation, physicochemical variation, residue mobility, and thermodynamic stability) has been performed at Invitae for this missense variant, however the output from this modeling did not meet the statistical confidence thresholds required to predict the impact of this variant on MCOLN1 protein function. In summary, the available evidence is currently insufficient to determine the role of this variant in disease. Therefore, it has been classified as a Variant of Uncertain Significance.

NM_020533.3(MCOLN1):c.892C>T (p.Arg298Trp)

Gene: MCOLN1 (mucolipin TRP cation channel 1; plus strand). Cytogenetic location: 19p13.2.
Variant type: single nucleotide variant.
Coding change: c.892C>T on transcript NM_020533.3 (MANE Select); coding-DNA position 892, C replaced by T.
Protein change: p.Arg298Trp; replaces arginine 298 with tryptophan.
Molecular consequence: missense variant.
Genome position (GRCh38, 1-based): chr19:7,528,611, C>T. VCF-style: chr19-7528611-C-T. GRCh37 (hg19) VCF-style: chr19-7593497-C-T.
Other names: short protein forms R298W.
Identifiers: ClinVar variation 3671725 (VCV003671725.1).